The following is an entry in ClinVar:

ClinVar aggregate classification (germline): Uncertain significance (1 of 4 stars; one submission).

Allele frequency attached by ClinVar (database versions not stated): gnomAD exomes below 0.00001; ExAC 0.00001.
gnomAD v4.1: 1 of 1,613,154 alleles (0.000062%); highest among the groups gnomAD compares: Admixed American, 0.0017%; no homozygotes.

Submission:

GeneDx
Classification: Uncertain significance. Last evaluated: 2014-10-09. Review status: criteria provided, single submitter. Criteria: GeneDx Variant Classification (06012015). Collection method: clinical testing. Allele origin: germline. Affected: yes.
Comment: p.Ile450Val (ATT>GTT): c.1348 A>G in exon 14 of the CACNB4 gene (NM_000726.2). The I450V variant has not been published as a mutation, nor has it been reported as a benign polymorphism to our knowledge. It was not observed in approximately 6,400 individuals of European and African American ancestry in the NHLBI Exome Sequencing Project, indicating it is not a common benign variant in these populations. This substitution occurs at a position that is conserved in mammals, but Valine has been seen at this position in evolution. The I450V variant is a conservative amino acid substitution, which is not likely to impact secondary protein structure as these residues share similar properties. However, in silico analysis is inconsistent in its predictions as to whether or not the variant is damaging to the protein structure/function. Therefore, based on the currently available information, it is unclear whether this variant is a pathogenic mutation or a rare benign variant. The variant is found in EPILEPSY panel(s).

NM_000726.5(CACNB4):c.1348A>G (p.Ile450Val)

Gene: CACNB4 (calcium voltage-gated channel auxiliary subunit beta 4; minus strand). Cytogenetic location: 2q23.3.
Variant type: single nucleotide variant.
Coding change: c.1348A>G on transcript NM_000726.5 (MANE Select); coding-DNA position 1348, A replaced by G.
Protein change: p.Ile450Val; replaces isoleucine 450 with valine.
Molecular consequence: missense variant.
Genome position (GRCh38, 1-based): chr2:151,839,334, T>C on the plus strand (A>G on the coding strand, the complement: CACNB4 is on the minus strand). VCF-style: chr2-151839334-T-C. GRCh37 (hg19) VCF-style: chr2-152695848-T-C.
Other names: p.I450V:ATT>GTT; c.1294A>G, p.Ile432Val (NM_001005746.4); c.1246A>G, p.Ile416Val (NM_001005747.4); c.1162A>G, p.Ile388Val (NM_001145798.3); c.1207A>G, p.Ile403Val (NM_001320722.3, NM_001330118.2); c.1105A>G, p.Ile369Val (NM_001330113.2); c.694A>G, p.Ile232Val (NM_001330114.2); c.1057A>G, p.Ile353Val (NM_001330115.2); and 2 more; short protein forms I450V, I353V, I403V, I264V, I340V, I432V, I369V, I388V.
Identifiers: ClinVar variation 204941 (VCV000204941.2), dbSNP rs773625599, ClinGen allele CA313408.